The following is an entry in ClinVar:

ClinVar aggregate classification (germline): Pathogenic (1 of 4 stars; one submission).

Submission:

Labcorp Genetics (formerly Invitae), Labcorp
Classification: Pathogenic. Last evaluated: 2023-04-11. Review status: criteria provided, single submitter. Criteria: Invitae Variant Classification Sherloc (09022015). Collection method: clinical testing. Allele origin: germline.
Comment: This variant has not been reported in the literature in individuals affected with USH2A-related conditions. For these reasons, this variant has been classified as Pathogenic. This variant is not present in population databases (gnomAD no frequency). This sequence change creates a premature translational stop signal (p.Lys4578*) in the USH2A gene. It is expected to result in an absent or disrupted protein product. Loss-of-function variants in USH2A are known to be pathogenic (PMID: 10729113, 10909849, 20507924, 25649381).

Literature cited by the submitters: PubMed 10729113; PubMed 10909849; PubMed 20507924; PubMed 25649381.

NM_206933.4(USH2A):c.13731_13743del (p.Thr4577_Lys4578insTer)

Gene: USH2A (usherin; minus strand). Cytogenetic location: 1q41.
Variant type: Deletion.
Coding change: c.13731_13743del on transcript NM_206933.4 (MANE Select); coding-DNA positions 13731 to 13743, 13 bases deleted (TAAAATCATACAC).
Protein change: p.Thr4577_Lys4578insTer.
Molecular consequence: frameshift variant.
Genome position (GRCh38, 1-based): chr1:215,674,168-215,674,180, GTGTATGATTTTA deleted on the plus strand (TAAAATCATACAC on the coding strand, the reverse complement: USH2A is on the minus strand); deleting any 13 consecutive bases within chr1:215,674,168-215,674,182 gives the same sequence; the c. name uses the placement nearest the transcript's 3' end. VCF-style (leftmost placement, unchanged base first): chr1-215674167-TGTGTATGATTTTA-T. GRCh37 (hg19) VCF-style: chr1-215847509-TGTGTATGATTTTA-T.
Identifiers: ClinVar variation 2817256 (VCV002817256.3), dbSNP rs2464893490, ClinGen allele CA2739275670.